The following is an entry in ClinVar:

NM_001256627.2(BRSK2):c.551C>A (p.Pro184His)

Gene: BRSK2 (BR serine/threonine kinase 2; plus strand). Cytogenetic location: 11p15.5.
Variant type: single nucleotide variant.
Coding change: c.551C>A on transcript NM_001256627.2 (MANE Select); coding-DNA position 551, C replaced by A.
Protein change: p.Pro184His; replaces proline 184 with histidine.
Molecular consequence: missense variant. On other transcripts: non-coding transcript variant (1).
Genome position (GRCh38, 1-based): chr11:1,443,126, C>A. VCF-style: chr11-1443126-C-A. GRCh37 (hg19) VCF-style: chr11-1464356-C-A.
Other names: c.551C>A, p.Pro184His (NM_001256629.2, NM_003957.4, NM_001440665.1 and 3 more transcripts); c.371C>A, p.Pro124His (NM_001440672.1, NM_001440673.1, NM_001440674.1 and 5 more transcripts); c.689C>A, p.Pro230His (NM_001256630.1, NM_001440667.1); short protein forms P230H, P184H, P124H.
Identifiers: ClinVar variation 4216379 (VCV004216379.1).
Genomic context (GRCh38, chr11:1,443,126, plus strand): 5'-CGCCCGGAGCCCCGCCGCTGACCTCTGCCCTTGCCCGCAGGTCCCCCCACTACGCCTGCC[C>A]CGAGGTGATCCGGGTGAGTCAGCGCCGCCGCGTGCAGCTCTGTGGGGCCCAGGGTGGCGG-3'
Protein context (NP_001243556.1, residues 174-194): TSCGSPHYAC[Pro184His]EVIRGEKYDG

ClinVar aggregate classification (germline): Likely pathogenic (1 of 4 stars; one submission).

Conditions:
Inborn genetic diseases. Identifiers: MedGen C0950123, MeSH D030342.

Submission:

Ambry Genetics
Classification: Likely pathogenic for Inborn genetic diseases. Last evaluated: 2025-08-25. Review status: criteria provided, single submitter. Criteria: Ambry Variant Classification Scheme 2023. Collection method: clinical testing. Allele origin: germline.
Comment: The c.551C>A (p.P184H) alteration is located in exon 6 (coding exon 6) of the BRSK2 gene. This alteration results from a C to A substitution at nucleotide position 551, causing the proline (P) at amino acid position 184 to be replaced by a histidine (H). This variant was not reported in population-based cohorts in the Genome Aggregation Database (gnomAD). This amino acid position is highly conserved in available vertebrate species. This missense alteration is located in a region that has a low rate of benign missense variation (Lek, 2016; Firth, 2009). This alteration is predicted to be deleterious by in silico analysis. Based on the available evidence, this alteration is classified as likely pathogenic.